The following is an entry in ClinVar:

NM_032564.5(DGAT2):c.855C>A (p.Tyr285Ter)

Gene: DGAT2 (diacylglycerol O-acyltransferase 2; plus strand). Cytogenetic location: 11q13.5.
Variant type: single nucleotide variant.
Coding change: c.855C>A on transcript NM_032564.5 (MANE Select); coding-DNA position 855, C replaced by A.
Protein change: p.Tyr285Ter; replaces tyrosine 285 with a stop codon.
Molecular consequence: nonsense.
Genome position (GRCh38, 1-based): chr11:75,798,272, C>A. VCF-style: chr11-75798272-C-A. GRCh37 (hg19) VCF-style: chr11-75509317-C-A.
Other names: c.726C>A, p.Tyr242Ter (NM_001253891.2); short protein forms Y242*, Y285*.
Identifiers: ClinVar variation 2642162 (VCV002642162.25), dbSNP rs150303834, ClinGen allele CA6192151.
Genomic context (GRCh38, chr11:75,798,272, plus strand): 5'-GCCTCTCCCTTCCAGAGCTGACCTGGTTCCCATCTACTCCTTTGGAGAGAATGAAGTGTA[C>A]AAGCAGGTGATCTTCGAGGAGGGCTCCTGGGGCCGATGGGTCCAGAAGAAGTTCCAGAAA-3'

ClinVar aggregate classification (germline): Conflicting classifications of pathogenicity. Review status: criteria provided, conflicting classifications (1 of 4 stars). 2 submissions from 2 submitters: Uncertain significance (1); Benign (1). Last evaluated 2025-06-26.

Allele frequency attached by ClinVar (database versions not stated): 1000 Genomes Project 0.00020; 1000 Genomes Project 30x 0.00031; ESP Exome Variant Server 0.00039; gnomAD 0.00050; TOPMed 0.00056; ExAC 0.00063.
gnomAD v4.1: 962 of 1,614,190 alleles (0.06%); highest among the groups gnomAD compares: Non-Finnish European, 0.074%; no homozygotes.

Submissions (2):

Women's Health and Genetics/Laboratory Corporation of America, LabCorp
Classification: Uncertain significance. Last evaluated: 2025-06-26. Review status: criteria provided, single submitter. Criteria: LabCorp Variant Classification Summary - May 2015. Collection method: clinical testing. Allele origin: germline.
Comment: Variant summary: DGAT2 c.855C>A (p.Tyr285X) results in a premature termination codon, predicted to cause a truncation of the encoded protein or absence of the protein due to nonsense mediated decay, however current evidence is not sufficient to establish loss of function as a mechanism for disease. The variant allele was found at a frequency of 0.00051 in 251442 control chromosomes. This frequency is not significantly higher than estimated for a pathogenic variant in DGAT2 causing Autosomal Dominant Charcot-Marie-Tooth Disease Type 2 due to DGAT2 mutation, allowing no conclusion about variant significance. To our knowledge, no occurrence of c.855C>A in individuals affected with Autosomal Dominant Charcot-Marie-Tooth Disease Type 2 due to DGAT2 mutation and no experimental evidence demonstrating its impact on protein function have been reported. ClinVar contains an entry for this variant (Variation ID: 2642162). Based on the evidence outlined above, the variant was classified as uncertain significance.

CeGaT Center for Human Genetics Tuebingen
Classification: Benign. Last evaluated: 2022-07-01. Review status: criteria provided, single submitter. Criteria: CeGaT Center For Human Genetics Tuebingen Variant Classification Criteria Version 2. Collection method: clinical testing. Allele origin: germline. Affected: yes. Observed: 1 variant allele.
Comment: DGAT2: BS1, BS2